The following is an entry in ClinVar:

NM_007194.4(CHEK2):c.1116_1136del (p.Lys373_Ser379del)

Gene: CHEK2 (checkpoint kinase 2; minus strand). Cytogenetic location: 22q12.1.
Variant type: Deletion.
Coding change: c.1116_1136del on transcript NM_007194.4 (MANE Select); coding-DNA positions 1116 to 1136, 21 bases deleted (CAAGATTTTGGGAGAGACCTC).
Protein change: p.Lys373_Ser379del.
Molecular consequence: inframe deletion. On other transcripts: inframe indel (4).
Genome position (GRCh38, 1-based): chr22:28,695,833-28,695,853, GAGGTCTCTCCCAAAATCTTG deleted on the plus strand (CAAGATTTTGGGAGAGACCTC on the coding strand, the reverse complement: CHEK2 is on the minus strand); deleting any 21 consecutive bases within chr22:28,695,833-28,695,856 gives the same sequence; the c. name uses the placement nearest the transcript's 3' end. VCF-style (leftmost placement, unchanged base first): chr22-28695832-AGAGGTCTCTCCCAAAATCTTG-A. GRCh37 (hg19) VCF-style: chr22-29091820-AGAGGTCTCTCCCAAAATCTTG-A.
Other names: c.1242_1262del21, p.Lys416_Ser422del (NM_001005735.3); c.450_470del21, p.Lys152_Ser158del (NM_001257387.3); c.912_932del21, p.Lys306_Ser312del (NM_001349956.3); c.1026_1046del21, p.Lys344_Ser350del (NM_145862.3).
Identifiers: ClinVar variation 2705838 (VCV002705838.3), dbSNP rs2517808933, ClinGen allele CA2697552658.

ClinVar aggregate classification (germline): Uncertain significance (1 of 4 stars; one submission).

Conditions:
Familial cancer of breast. Also called: Hereditary breast cancer; BREAST CANCER, FAMILIAL; hereditary breast carcinoma. Identifiers: Orphanet 227535, MedGen C0346153, MONDO:0016419, OMIM 114480. Disease mechanism: loss of function.

Submission:

Labcorp Genetics (formerly Invitae), Labcorp
Classification: Uncertain significance for Familial cancer of breast. Last evaluated: 2023-12-27. Review status: criteria provided, single submitter. Criteria: Invitae Variant Classification Sherloc (09022015). Collection method: clinical testing. Allele origin: germline.
Comment: This variant, c.1116_1136del, results in the deletion of 7 amino acid(s) of the CHEK2 protein (p.Lys373_Ser379del), but otherwise preserves the integrity of the reading frame. This variant is not present in population databases (gnomAD no frequency). This variant has not been reported in the literature in individuals affected with CHEK2-related conditions. Experimental studies and prediction algorithms are not available or were not evaluated, and the functional significance of this variant is currently unknown. In summary, the available evidence is currently insufficient to determine the role of this variant in disease. Therefore, it has been classified as a Variant of Uncertain Significance.